The following is an entry in ClinVar:

ClinVar aggregate classification (germline): Likely benign. Review status: criteria provided, multiple submitters, no conflicts (2 of 4 stars). 3 submissions from 3 submitters: Likely benign (3). Last evaluated 2025-06-20.

Conditions:
Cardiovascular phenotype. Identifiers: MedGen CN230736.
Myofibrillar myopathy 5. Also called: Filaminopathy (type); FILAMINOPATHY, AUTOSOMAL DOMINANT. Identifiers: Orphanet 171445, MedGen C1836050, MONDO:0012289, OMIM 609524.
Hypertrophic cardiomyopathy 26. Also called: Cardiomyopathy, familial hypertrophic, 26. Identifiers: Orphanet 75249, MedGen C4310749, MONDO:0014883, OMIM 617047.
Distal myopathy with posterior leg and anterior hand involvement. Also called: WILLIAMS DISTAL MYOPATHY. Identifiers: Orphanet 63273, MedGen C3279722, MONDO:0013550, OMIM 614065.

Allele frequency attached by ClinVar (database versions not stated): ExAC 0.00002; gnomAD exomes 0.00002; TOPMed 0.00002; gnomAD 0.00003.
gnomAD v4.1: 21 of 1,613,886 alleles (0.0013%); highest among the groups gnomAD compares: East Asian, 0.0067%; no homozygotes.

Submissions (3):

Labcorp Genetics (formerly Invitae), Labcorp
Classification: Likely benign for Distal myopathy with posterior leg and anterior hand involvement; Myofibrillar myopathy 5; Hypertrophic cardiomyopathy 26. Last evaluated: 2025-06-20. Review status: criteria provided, single submitter. Criteria: Invitae Variant Classification Sherloc (09022015). Collection method: clinical testing. Allele origin: germline.

Ambry Genetics
Classification: Likely benign for Cardiovascular phenotype. Last evaluated: 2023-03-18. Review status: criteria provided, single submitter. Criteria: Ambry Variant Classification Scheme 2023. Collection method: clinical testing. Allele origin: germline.

GeneDx
Classification: Likely benign. Last evaluated: 2019-10-21. Review status: criteria provided, single submitter. Criteria: GeneDx Variant Classification Process June 2021. Collection method: clinical testing. Allele origin: germline. Affected: yes.
Comment: See Variant Classification Assertion Criteria.

NM_001458.5(FLNC):c.3294C>T (p.Thr1098=)

Gene: FLNC (filamin C; plus strand). Cytogenetic location: 7q32.1.
Variant type: single nucleotide variant.
Coding change: c.3294C>T on transcript NM_001458.5 (MANE Select); coding-DNA position 3294, C replaced by T.
Protein change: p.Thr1098=; no amino-acid change (threonine 1098 retained).
Molecular consequence: synonymous variant.
Genome position (GRCh38, 1-based): chr7:128,844,759, C>T. VCF-style: chr7-128844759-C-T. GRCh37 (hg19) VCF-style: chr7-128484813-C-T.
Other names: c.3294C>T, p.Thr1098= (NM_001127487.2).
Identifiers: ClinVar variation 733073 (VCV000733073.12), dbSNP rs753772262, ClinGen allele CA4475011.